The following is an entry in ClinVar:

ClinVar aggregate classification (germline): Uncertain significance (1 of 4 stars; one submission).

gnomAD v4.1: 6 of 1,603,440 alleles (0.00037%); highest among the groups gnomAD compares: African/African-American, 0.004%; no homozygotes.

Submission:

Labcorp Genetics (formerly Invitae), Labcorp
Classification: Uncertain significance. Last evaluated: 2024-11-19. Review status: criteria provided, single submitter. Criteria: Invitae Variant Classification Sherloc (09022015). Collection method: clinical testing. Allele origin: germline.
Comment: This sequence change replaces isoleucine, which is neutral and non-polar, with valine, which is neutral and non-polar, at codon 147 of the CACNA1D protein (p.Ile147Val). This variant is present in population databases (rs760502506, gnomAD 0.007%). This variant has not been reported in the literature in individuals affected with CACNA1D-related conditions. Invitae Evidence Modeling of protein sequence and biophysical properties (such as structural, functional, and spatial information, amino acid conservation, physicochemical variation, residue mobility, and thermodynamic stability) indicates that this missense variant is not expected to disrupt CACNA1D protein function with a negative predictive value of 80%. In summary, the available evidence is currently insufficient to determine the role of this variant in disease. Therefore, it has been classified as a Variant of Uncertain Significance.

NM_001128840.3(CACNA1D):c.439A>G (p.Ile147Val)

Gene: CACNA1D (calcium voltage-gated channel subunit alpha1 D; plus strand). Cytogenetic location: 3p21.1.
Variant type: single nucleotide variant.
Coding change: c.439A>G on transcript NM_001128840.3 (MANE Select); coding-DNA position 439, A replaced by G.
Protein change: p.Ile147Val; replaces isoleucine 147 with valine.
Molecular consequence: missense variant.
Genome position (GRCh38, 1-based): chr3:53,501,676, A>G. VCF-style: chr3-53501676-A-G. GRCh37 (hg19) VCF-style: chr3-53535703-A-G.
Other names: c.439A>G, p.Ile147Val (NM_000720.4, NM_001128839.3); short protein forms I147V.
Identifiers: ClinVar variation 3698198 (VCV003698198.2).